The following is an entry in ClinVar:

ClinVar aggregate classification (germline): Uncertain significance (1 of 4 stars; one submission).

Submission:

Labcorp Genetics (formerly Invitae), Labcorp
Classification: Uncertain significance. Last evaluated: 2022-04-12. Review status: criteria provided, single submitter. Criteria: Invitae Variant Classification Sherloc (09022015). Collection method: clinical testing. Allele origin: germline.
Comment: This variant has not been reported in the literature in individuals affected with FREM1-related conditions. This variant is not present in population databases (gnomAD no frequency). This sequence change replaces aspartic acid, which is acidic and polar, with glutamic acid, which is acidic and polar, at codon 81 of the FREM1 protein (p.Asp81Glu). Algorithms developed to predict the effect of missense changes on protein structure and function are either unavailable or do not agree on the potential impact of this missense change (SIFT: "Deleterious"; PolyPhen-2: "Probably Damaging"; Align-GVGD: "Class C0"). In summary, the available evidence is currently insufficient to determine the role of this variant in disease. Therefore, it has been classified as a Variant of Uncertain Significance.

NM_001379081.2(FREM1):c.243C>G (p.Asp81Glu)

Gene: FREM1 (FRAS1 related extracellular matrix 1; minus strand). Cytogenetic location: 9p22.3.
Variant type: single nucleotide variant.
Coding change: c.243C>G on transcript NM_001379081.2 (MANE Select); coding-DNA position 243, C replaced by G.
Protein change: p.Asp81Glu; replaces aspartic acid 81 with glutamic acid.
Molecular consequence: missense variant. On other transcripts: non-coding transcript variant (4).
Genome position (GRCh38, 1-based): chr9:14,863,895, G>C on the plus strand (C>G on the coding strand, the complement: FREM1 is on the minus strand). VCF-style: chr9-14863895-G-C. GRCh37 (hg19) VCF-style: chr9-14863893-G-C.
Other names: c.243C>G, p.Asp81Glu (NM_001370060.1, NM_001370063.1, NM_001370065.1 and 1 more transcripts); short protein forms D81E.
Identifiers: ClinVar variation 2125094 (VCV002125094.4), dbSNP rs2539055591, ClinGen allele CA372964786.
Genomic context (GRCh38, chr9:14,863,895, plus strand): 5'-TTCATCAAGAATTGGACAACCATTGTGAACATACTTGACTTCGTTGGGAAGGAAATGGCA[G>C]TCAAAGACCTAGTTCACATGAAGAATTGGATAAATATCTATGAGAAAATTGGTACAAGAT-3'
Protein context (NP_001366010.1, residues 71-91): RVGKLTPQVF[Asp81Glu]CHFLPNEVKY